The following is an entry in ClinVar:

NM_000038.6(APC):c.6936T>C (p.Pro2312=)

Gene: APC (APC regulator of Wnt signaling pathway; plus strand). Cytogenetic location: 5q22.2.
Variant type: single nucleotide variant.
Coding change: c.6936T>C on transcript NM_000038.6 (MANE Select); coding-DNA position 6936, T replaced by C.
Protein change: p.Pro2312=; no amino-acid change (proline 2312 retained).
Molecular consequence: synonymous variant.
Genome position (GRCh38, 1-based): chr5:112,842,530, T>C. VCF-style: chr5-112842530-T-C. GRCh37 (hg19) VCF-style: chr5-112178227-T-C.
Other names: c.6936T>C, p.Pro2312= (NM_001127510.3, NM_001354895.2); c.6882T>C, p.Pro2294= (NM_001127511.3); c.6990T>C, p.Pro2330= (NM_001354896.2); c.6966T>C, p.Pro2322= (NM_001354897.2); c.6861T>C, p.Pro2287= (NM_001354898.2); c.6852T>C, p.Pro2284= (NM_001354899.2); c.6813T>C, p.Pro2271= (NM_001354900.2); c.6759T>C, p.Pro2253= (NM_001354901.2); and 5 more.
Identifiers: ClinVar variation 759940 (VCV000759940.12), dbSNP rs1580676516, ClinGen allele CA446210531.

ClinVar aggregate classification (germline): Benign/Likely benign. Review status: criteria provided, multiple submitters, no conflicts (2 of 4 stars). 4 submissions from 4 submitters: Benign (1); Likely benign (3). Last evaluated 2025-05-17.

Conditions:
Hereditary cancer-predisposing syndrome. Also called: Tumor predisposition; Neoplastic Syndromes, Hereditary; Hereditary Cancer Syndrome; Hereditary neoplastic syndrome. Identifiers: Orphanet 140162, MedGen C0027672, MeSH D009386, MONDO:0015356.
Familial adenomatous polyposis 1 (FAP1). Also called: POLYPOSIS, ADENOMATOUS INTESTINAL; FAMILIAL ADENOMATOUS POLYPOSIS 1, ATTENUATED. Identifiers: MedGen C2713442, MONDO:0021056, OMIM 175100. Disease mechanism: loss of function.

Submissions (4):

Ambry Genetics
Classification: Likely benign for Hereditary cancer-predisposing syndrome. Last evaluated: 2025-05-17. Review status: criteria provided, single submitter. Criteria: Ambry Variant Classification Scheme 2023. Collection method: clinical testing. Allele origin: germline.

Myriad Genetics, Inc.
Classification: Benign for Familial adenomatous polyposis 1. Last evaluated: 2024-04-08. Review status: criteria provided, single submitter. Criteria: Myriad Autosomal Dominant, Autosomal Recessive and X-Linked Classification Criteria (2023). Collection method: clinical testing. Allele origin: unknown.
Comment: This variant is considered benign. This variant is a silent/synonymous amino acid change and it is not expected to impact splicing.

Sema4
Classification: Likely benign for Hereditary cancer-predisposing syndrome. Last evaluated: 2021-09-15. Review status: criteria provided, single submitter. Criteria: Sema4 Curation Guidelines. Collection method: curation. Allele origin: germline.

Labcorp Genetics (formerly Invitae), Labcorp
Classification: Likely benign for Familial adenomatous polyposis 1. Last evaluated: 2018-06-06. Review status: criteria provided, single submitter. Criteria: Invitae Variant Classification Sherloc (09022015). Collection method: clinical testing. Allele origin: germline.